The following is an entry in ClinVar:

ClinVar aggregate classification (germline): Uncertain significance (1 of 4 stars; one submission).

Conditions:
Axenfeld-Rieger syndrome type 3 (RIEG3). Also called: AXENFELD-RIEGER ANOMALY WITH CARDIAC DEFECTS AND/OR SENSORINEURAL HEARING LOSS. Identifiers: Orphanet 782, MedGen C2678503, MONDO:0011233, OMIM 602482.

Allele frequency attached by ClinVar (database versions not stated): gnomAD exomes below 0.00001; gnomAD 0.00001.
gnomAD v4.1: 6 of 1,502,452 alleles (0.0004%); highest among the groups gnomAD compares: African/African-American, 0.0014%; no homozygotes.

Submission:

Labcorp Genetics (formerly Invitae), Labcorp
Classification: Uncertain significance for Axenfeld-Rieger syndrome type 3. Last evaluated: 2023-10-06. Review status: criteria provided, single submitter. Criteria: Invitae Variant Classification Sherloc (09022015). Collection method: clinical testing. Allele origin: germline.
Comment: This sequence change replaces proline, which is neutral and non-polar, with serine, which is neutral and polar, at codon 17 of the FOXC1 protein (p.Pro17Ser). This variant is not present in population databases (gnomAD no frequency). This variant has not been reported in the literature in individuals affected with FOXC1-related conditions. Algorithms developed to predict the effect of missense changes on protein structure and function output the following: SIFT: "Not Available"; PolyPhen-2: "Benign"; Align-GVGD: "Not Available". The serine amino acid residue is found in multiple mammalian species, which suggests that this missense change does not adversely affect protein function. In summary, the available evidence is currently insufficient to determine the role of this variant in disease. Therefore, it has been classified as a Variant of Uncertain Significance.

NM_001453.3(FOXC1):c.49C>T (p.Pro17Ser)

Gene: FOXC1 (forkhead box C1; plus strand). Cytogenetic location: 6p25.3.
Variant type: single nucleotide variant.
Coding change: c.49C>T on transcript NM_001453.3 (MANE Select); coding-DNA position 49, C replaced by T.
Protein change: p.Pro17Ser; replaces proline 17 with serine.
Molecular consequence: missense variant.
Genome position (GRCh38, 1-based): chr6:1,610,494, C>T. VCF-style: chr6-1610494-C-T. GRCh37 (hg19) VCF-style: chr6-1610729-C-T.
Other names: short protein forms P17S.
Identifiers: ClinVar variation 2983621 (VCV002983621.3), dbSNP rs1450176374, ClinGen allele CA362557966.